The following is an entry in ClinVar:

ClinVar aggregate classification (germline): Uncertain significance (1 of 4 stars; one submission).

Submission:

GeneDx
Classification: Uncertain significance. Last evaluated: 2019-06-16. Review status: criteria provided, single submitter. Criteria: GeneDx Variant Classification Process June 2021. Collection method: clinical testing. Allele origin: germline. Affected: yes.
Comment: Observed with c.2993-5_3007dup20 (reported as 3005 dup 20 using alternate nomenclature) in a patient with recessive dystrophic epidermolysis bullosa in published literature, but it is not known whether the variants occurred on the same (in cis) or on different (in trans) chromosomes; Not observed in large population cohorts (Lek et al., 2016); In-silico analysis, which includes splice predictors and evolutionary conservation, is inconclusive as to whether the variant alters gene splicing. In the absence of RNA/functional studies, the actual effect of this sequence change is unknown.; This variant is associated with the following publications: (PMID: 12558638, 25525159)

NM_000094.4(COL7A1):c.5532+4A>G

Gene: COL7A1 (collagen type VII alpha 1 chain; minus strand). Cytogenetic location: 3p21.31.
Variant type: single nucleotide variant.
Coding change: c.5532+4A>G on transcript NM_000094.4 (MANE Select); 4 bases into the intron after coding-DNA position 5532, A replaced by G.
Molecular consequence: intron variant.
Genome position (GRCh38, 1-based): chr3:48,578,317, T>C on the plus strand (A>G on the coding strand, the complement: COL7A1 is on the minus strand). VCF-style: chr3-48578317-T-C. GRCh37 (hg19) VCF-style: chr3-48615750-T-C.
Identifiers: ClinVar variation 1200974 (VCV001200974.3), dbSNP rs2107690960, ClinGen allele CA2499216848.
Genomic context (GRCh38, chr3:48,578,317, plus strand): 5'-TGGCTGTGTAGGTGTGCTGGCGTTTCTTGGCAGGTTTCGCCGCAGCTGCCCTGGACACAC[T>C]CACGTTTTTTCCATTCAGGCCAGGTTTGCCATCCTCGCCTGGCTTTCCCTGTGGGAACAG-3'